The following is an entry in ClinVar:

ClinVar aggregate classification (germline): Uncertain significance (1 of 4 stars; one submission).

Conditions:
Gorlin syndrome. Also called: Nevoid Basal Cell Carcinoma Syndrome; Basal cell nevus syndrome. Identifiers: Orphanet 377, MedGen C0004779, MONDO:0007187.

Submission:

Labcorp Genetics (formerly Invitae), Labcorp
Classification: Uncertain significance for Gorlin syndrome. Last evaluated: 2025-07-15. Review status: criteria provided, single submitter. Criteria: Invitae Variant Classification Sherloc (09022015). Collection method: clinical testing. Allele origin: germline.
Comment: This sequence change replaces glycine, which is neutral and non-polar, with serine, which is neutral and polar, at codon 1091 of the PTCH1 protein (p.Gly1091Ser). This variant is not present in population databases (gnomAD no frequency). This variant has not been reported in the literature in individuals affected with PTCH1-related conditions. Invitae Evidence Modeling of protein sequence and biophysical properties (such as structural, functional, and spatial information, amino acid conservation, physicochemical variation, residue mobility, and thermodynamic stability) has been performed for this missense variant. However, the output from this modeling did not meet the statistical confidence thresholds required to predict the impact of this variant on PTCH1 protein function. In summary, the available evidence is currently insufficient to determine the role of this variant in disease. Therefore, it has been classified as a Variant of Uncertain Significance.

NM_000264.5(PTCH1):c.3271G>A (p.Gly1091Ser)

Gene: PTCH1 (patched 1; minus strand). Cytogenetic location: 9q22.32.
Variant type: single nucleotide variant.
Coding change: c.3271G>A on transcript NM_000264.5 (MANE Select); coding-DNA position 3271, G replaced by A.
Protein change: p.Gly1091Ser; replaces glycine 1091 with serine.
Molecular consequence: missense variant. On other transcripts: non-coding transcript variant (1).
Genome position (GRCh38, 1-based): chr9:95,456,311, C>T on the plus strand (G>A on the coding strand, the complement: PTCH1 is on the minus strand). VCF-style: chr9-95456311-C-T. GRCh37 (hg19) VCF-style: chr9-98218593-C-T.
Other names: c.2818G>A, p.Gly940Ser (NM_001083604.3, NM_001083605.3, NM_001083606.3 and 1 more transcripts); c.3115G>A, p.Gly1039Ser (NM_001354918.2); c.3073G>A, p.Gly1025Ser (NM_001083602.3); c.3268G>A, p.Gly1090Ser (NM_001083603.3); short protein forms G1039S, G1091S, G940S, G1025S, G1090S.
Identifiers: ClinVar variation 4765398 (VCV004765398.1).